The following is an entry in ClinVar:

ClinVar aggregate classification (germline): Uncertain significance (1 of 4 stars; one submission).

Conditions:
Cardiovascular phenotype. Identifiers: MedGen CN230736.

Submission:

Ambry Genetics
Classification: Uncertain significance for Cardiovascular phenotype. Last evaluated: 2024-09-11. Review status: criteria provided, single submitter. Criteria: Ambry Variant Classification Scheme 2023. Collection method: clinical testing. Allele origin: germline.
Comment: The p.S702F variant (also known as c.2105C>T), located in coding exon 5 of the ALPK3 gene, results from a C to T substitution at nucleotide position 2105. The serine at codon 702 is replaced by phenylalanine, an amino acid with highly dissimilar properties. This amino acid position is conserved. In addition, this alteration is predicted to be tolerated by in silico analysis. Based on the available evidence, the clinical significance of this variant remains unclear.

NM_020778.5(ALPK3):c.1499C>T (p.Ser500Phe)

Genes: ALPK3 (alpha kinase 3; plus strand), LOC111718493 (skeletal muscle cis-regulatory module overlapping ALPK3; plus strand). Cytogenetic location: 15q25.3.
Variant type: single nucleotide variant.
Coding change: c.1499C>T on transcript NM_020778.5 (MANE Select); coding-DNA position 1499, C replaced by T.
Protein change: p.Ser500Phe; replaces serine 500 with phenylalanine.
Molecular consequence: missense variant.
Genome position (GRCh38, 1-based): chr15:84,840,778, C>T. VCF-style: chr15-84840778-C-T. GRCh37 (hg19) VCF-style: chr15-85384009-C-T.
Other names: short protein forms S500F.
Identifiers: ClinVar variation 3533093 (VCV003533093.1).